The following is an entry in ClinVar:

ClinVar aggregate classification (germline): Likely benign (1 of 4 stars; one submission).

Conditions:
DNAJC7-related condition.

Submission:

PreventionGenetics, part of Exact Sciences
Classification: Likely benign for DNAJC7-related condition. Last evaluated: 2024-12-18. Review status: criteria provided, single submitter. Criteria: ACMG Guidelines, 2015. Collection method: clinical testing. Allele origin: germline.
Comment: This variant is classified as likely benign based on ACMG/AMP sequence variant interpretation guidelines (Richards et al. 2015 PMID: 25741868, with internal and published modifications).

NM_003315.4(DNAJC7):c.1323C>T (p.Pro441=)

Gene: DNAJC7 (DnaJ heat shock protein family (Hsp40) member C7; minus strand). Cytogenetic location: 17q21.2.
Variant type: single nucleotide variant.
Coding change: c.1323C>T on transcript NM_003315.4 (MANE Select); coding-DNA position 1323, C replaced by T.
Protein change: p.Pro441=; no amino-acid change (proline 441 retained).
Molecular consequence: synonymous variant. On other transcripts: non-coding transcript variant (1).
Genome position (GRCh38, 1-based): chr17:41,981,916, G>A on the plus strand (C>T on the coding strand, the complement: DNAJC7 is on the minus strand). VCF-style: chr17-41981916-G-A. GRCh37 (hg19) VCF-style: chr17-40133934-G-A.
Other names: c.1155C>T, p.Pro385= (NM_001144766.3).
Identifiers: ClinVar variation 4997091 (VCV004997091.1).
Genomic context (GRCh38, chr17:41,981,916, plus strand): 5'-ACCCATATTCATGCCCTCCTCATCTAGGTCCTGTCCACTGTCATAGCGAGTCTTTTTCTT[G>A]GGATCAGAGAGGATAGTAAAGGCCTCTCCAACTTCCTTGAACTTCTTCTCCTCCTCCTTC-3'
Protein context (NP_003306.3, residues 431-451): VGEAFTILSD[Pro441=]KKKTRYDSGQ